The following is an entry in ClinVar:

NM_000717.5(CA4):c.411G>A (p.Met137Ile)

Gene: CA4 (carbonic anhydrase 4; plus strand). Cytogenetic location: 17q23.1.
Variant type: single nucleotide variant.
Coding change: c.411G>A on transcript NM_000717.5 (MANE Select); coding-DNA position 411, G replaced by A.
Protein change: p.Met137Ile; replaces methionine 137 with isoleucine.
Molecular consequence: missense variant. On other transcripts: non-coding transcript variant (1).
Genome position (GRCh38, 1-based): chr17:60,157,569, G>A. VCF-style: chr17-60157569-G-A. GRCh37 (hg19) VCF-style: chr17-58234930-G-A.
Other names: c.411G>A (NM_000717.3); short protein forms M137I.
Identifiers: ClinVar variation 1460578 (VCV001460578.9), dbSNP rs762042789, ClinGen allele CA8685324.

ClinVar aggregate classification (germline): Uncertain significance. Review status: criteria provided, multiple submitters, no conflicts (2 of 4 stars). 3 submissions from 3 submitters: Uncertain significance (3). Last evaluated 2025-12-15.

Allele frequency attached by ClinVar (database versions not stated): gnomAD exomes below 0.00001 and 0.00001; ExAC 0.00001; gnomAD 0.00001.

Submissions (3):

Ambry Genetics
Classification: Uncertain significance. Last evaluated: 2025-12-15. Review status: criteria provided, single submitter. Criteria: Ambry Variant Classification Scheme 2023. Collection method: clinical testing. Allele origin: germline.

Blueprint Genetics
Classification: Uncertain significance. Last evaluated: 2024-05-23. Review status: criteria provided, single submitter. Criteria: ACMG Guidelines, 2015. Collection method: clinical testing. Allele origin: germline.

Labcorp Genetics (formerly Invitae), Labcorp
Classification: Uncertain significance. Last evaluated: 2023-02-22. Review status: criteria provided, single submitter. Criteria: Invitae Variant Classification Sherloc (09022015). Collection method: clinical testing. Allele origin: germline.
Comment: In summary, the available evidence is currently insufficient to determine the role of this variant in disease. Therefore, it has been classified as a Variant of Uncertain Significance. Advanced modeling of protein sequence and biophysical properties (such as structural, functional, and spatial information, amino acid conservation, physicochemical variation, residue mobility, and thermodynamic stability) has been performed at Invitae for this missense variant, however the output from this modeling did not meet the statistical confidence thresholds required to predict the impact of this variant on CA4 protein function. ClinVar contains an entry for this variant (Variation ID: 1460578). This variant has not been reported in the literature in individuals affected with CA4-related conditions. This variant is not present in population databases (gnomAD no frequency). This sequence change replaces methionine, which is neutral and non-polar, with isoleucine, which is neutral and non-polar, at codon 137 of the CA4 protein (p.Met137Ile).